The following is an entry in ClinVar:

ClinVar aggregate classification (germline): Uncertain significance (1 of 4 stars; one submission).

Allele frequency attached by ClinVar (database versions not stated): gnomAD exomes 0.00001; ExAC 0.00002; TOPMed 0.00002.
gnomAD v4.1: 6 of 1,582,840 alleles (0.00038%); highest among the groups gnomAD compares: Admixed American, 0.011%; no homozygotes.

Submission:

Labcorp Genetics (formerly Invitae), Labcorp
Classification: Uncertain significance. Last evaluated: 2025-12-17. Review status: criteria provided, single submitter. Criteria: Invitae Variant Classification Sherloc (09022015). Collection method: clinical testing. Allele origin: germline.
Comment: This sequence change falls in intron 6 of the ZCCHC8 gene. It does not directly change the encoded amino acid sequence of the ZCCHC8 protein. This variant is present in population databases (rs764353997, gnomAD 0.02%). This variant has not been reported in the literature in individuals affected with ZCCHC8-related conditions. ClinVar contains an entry for this variant (Variation ID: 1919994). Algorithms developed to predict the effect of sequence changes on RNA splicing suggest that this variant may create or strengthen a splice site. In summary, the available evidence is currently insufficient to determine the role of this variant in disease. Therefore, it has been classified as a Variant of Uncertain Significance.

NM_017612.5(ZCCHC8):c.605+12A>G

Gene: ZCCHC8 (zinc finger CCHC-type containing 8; minus strand). Cytogenetic location: 12q24.31.
Variant type: single nucleotide variant.
Coding change: c.605+12A>G on transcript NM_017612.5 (MANE Select); 12 bases into the intron after coding-DNA position 605, A replaced by G.
Molecular consequence: intron variant.
Genome position (GRCh38, 1-based): chr12:122,483,448, T>C on the plus strand (A>G on the coding strand, the complement: ZCCHC8 is on the minus strand). VCF-style: chr12-122483448-T-C. GRCh37 (hg19) VCF-style: chr12-122967995-T-C.
Other names: c.-43-753A>G (NM_001350938.2, NM_001350937.2); c.502-1361A>G (NM_001350935.2); c.308+12A>G (NM_001350936.2).
Identifiers: ClinVar variation 1919994 (VCV001919994.5), dbSNP rs764353997, ClinGen allele CA6846425.